The following is an entry in ClinVar:

NM_001083962.2(TCF4):c.1417C>T (p.Pro473Ser)

Gene: TCF4 (transcription factor 4; minus strand). Cytogenetic location: 18q21.2.
Variant type: single nucleotide variant.
Coding change: c.1417C>T on transcript NM_001083962.2 (MANE Select); coding-DNA position 1417, C replaced by T.
Protein change: p.Pro473Ser; replaces proline 473 with serine.
Molecular consequence: missense variant.
Genome position (GRCh38, 1-based): chr18:55,234,617, G>A on the plus strand (C>T on the coding strand, the complement: TCF4 is on the minus strand). VCF-style: chr18-55234617-G-A. GRCh37 (hg19) VCF-style: chr18-52901848-G-A.
Other names: c.1414C>T, p.Pro472Ser (NM_001330604.3, NM_001369569.1, NM_001369570.1 and 2 more transcripts); c.1027C>T, p.Pro343Ser (NM_001330605.3, NM_001348212.2, NM_001348213.2 and 1 more transcripts); c.1291C>T, p.Pro431Ser (NM_001348211.2, NM_001243231.2); c.934C>T, p.Pro312Ser (NM_001348214.2); c.1408C>T, p.Pro470Ser (NM_001243230.2); c.1204C>T, p.Pro402Ser (NM_001243232.1, NM_001306208.1); c.937C>T, p.Pro313Ser (NM_001243234.2, NM_001243235.2, NM_001243236.2 and 1 more transcripts); c.1345C>T, p.Pro449Ser (NM_001306207.1, NM_001243227.2, NM_001348219.2 and 5 more transcripts); and 6 more; short protein forms P448S, P450S, P575S, P312S, P402S, P313S, P431S, P470S.
Identifiers: ClinVar variation 1044798 (VCV001044798.8), dbSNP rs2048837169, ClinGen allele CA402531855.

ClinVar aggregate classification (germline): Uncertain significance (1 of 4 stars; one submission).

Conditions:
Pitt-Hopkins syndrome (PTHS). Also called: ENCEPHALOPATHY, SEVERE EPILEPTIC, WITH AUTONOMIC DYSFUNCTION; MENTAL RETARDATION, SYNDROMAL, WITH INTERMITTENT HYPERVENTILATION. Identifiers: Orphanet 2896, MedGen C1970431, MONDO:0012589, OMIM 610954.

Submission:

Labcorp Genetics (formerly Invitae), Labcorp
Classification: Uncertain significance for Pitt-Hopkins syndrome. Last evaluated: 2022-01-14. Review status: criteria provided, single submitter. Criteria: Invitae Variant Classification Sherloc (09022015). Collection method: clinical testing. Allele origin: germline.
Comment: This sequence change replaces proline, which is neutral and non-polar, with serine, which is neutral and polar, at codon 473 of the TCF4 protein (p.Pro473Ser). This variant is not present in population databases (gnomAD no frequency). This variant has not been reported in the literature in individuals affected with TCF4-related conditions. ClinVar contains an entry for this variant (Variation ID: 1044798). Algorithms developed to predict the effect of missense changes on protein structure and function (SIFT, PolyPhen-2, Align-GVGD) all suggest that this variant is likely to be tolerated. In summary, the available evidence is currently insufficient to determine the role of this variant in disease. Therefore, it has been classified as a Variant of Uncertain Significance.